The following is an entry in ClinVar:

ClinVar aggregate classification (germline): Uncertain significance (1 of 4 stars; one submission).

gnomAD v4.1: 3 of 1,613,416 alleles (0.00019%); highest among the groups gnomAD compares: Middle Eastern, 0.017%; no homozygotes.

Submission:

Labcorp Genetics (formerly Invitae), Labcorp
Classification: Uncertain significance. Last evaluated: 2022-11-01. Review status: criteria provided, single submitter. Criteria: Invitae Variant Classification Sherloc (09022015). Collection method: clinical testing. Allele origin: germline.
Comment: This sequence change replaces tyrosine, which is neutral and polar, with cysteine, which is neutral and slightly polar, at codon 68 of the DYNC2LI1 protein (p.Tyr68Cys). In summary, the available evidence is currently insufficient to determine the role of this variant in disease. Therefore, it has been classified as a Variant of Uncertain Significance. Algorithms developed to predict the effect of missense changes on protein structure and function (SIFT, PolyPhen-2, Align-GVGD) all suggest that this variant is likely to be disruptive. ClinVar contains an entry for this variant (Variation ID: 1512083). This variant has not been reported in the literature in individuals affected with DYNC2LI1-related conditions. This variant is not present in population databases (gnomAD no frequency).

NM_016008.4(DYNC2LI1):c.203A>G (p.Tyr68Cys)

Gene: DYNC2LI1 (dynein cytoplasmic 2 light intermediate chain 1; plus strand). Cytogenetic location: 2p21.
Variant type: single nucleotide variant.
Coding change: c.203A>G on transcript NM_016008.4 (MANE Select); coding-DNA position 203, A replaced by G.
Protein change: p.Tyr68Cys; replaces tyrosine 68 with cysteine.
Molecular consequence: missense variant.
Genome position (GRCh38, 1-based): chr2:43,787,222, A>G. VCF-style: chr2-43787222-A-G. GRCh37 (hg19) VCF-style: chr2-44014361-A-G.
Other names: c.203A>G, p.Tyr68Cys (NM_001193464.2, NM_001348912.2, NM_001348913.2 and 1 more transcripts); short protein forms Y68C.
Identifiers: ClinVar variation 1512083 (VCV001512083.6), dbSNP rs762110402, ClinGen allele CA346651535.